The following is an entry in ClinVar:

ClinVar aggregate classification (germline): Pathogenic (1 of 4 stars; one submission).

Conditions:
Neurofibromatosis, type 1 (NF1). Also called: VON RECKLINGHAUSEN DISEASE; Peripheral type neurofibromatosis; NEUROFIBROMATOSIS, TYPE I, SOMATIC; Neurofibromatosis, type I. Identifiers: Orphanet 636, MedGen C0027831, MONDO:0018975, OMIM 162200. Disease mechanism: loss of function.

Submission:

Labcorp Genetics (formerly Invitae), Labcorp
Classification: Pathogenic for Neurofibromatosis, type 1. Last evaluated: 2021-12-15. Review status: criteria provided, single submitter. Criteria: Invitae Variant Classification Sherloc (09022015). Collection method: clinical testing. Allele origin: germline.
Comment: A similar variant has been observed in individual(s) with clinical features of NF1-related conditions (Invitae). For these reasons, this variant has been classified as Pathogenic. Retrotransposon insertions including LINE1 (L1), Alu, and SVA (SINE-VNTR-Alu) have been reported to be disease-causing through disruption of either a coding region or splice site (PMID: 19763152, 20307669, 22406018) and loss-of-function variants in NF1 are known to be pathogenic (PMID: 10712197, 23913538). Algorithms developed to predict the effect of sequence changes on RNA splicing suggest that this variant may create or strengthen a splice site. ClinVar contains an entry for this variant (Variation ID: 1073122). This variant is not present in population databases (gnomAD no frequency). This sequence change inserts a large fragment of DNA, likely a transposable element, in exon 21 of the NF1 gene (c.2453_2454ins?), causing a frameshift at codon 819 (p.His819fs). The exact size and sequence of the insertion cannot be determined by the current assay. However, the insertion is expected to result in an absent or disrupted protein product.

Literature cited by the submitters: PubMed 19763152; PubMed 20307669; PubMed 22406018; PubMed 10712197; PubMed 23913538.

NM_001042492.3(NF1):c.2453_2454insGCCGGGCGCGGTGGCTCACGCCTGTAATCCCAGCACTTTGGGAGGCCGAGGCGGGTGGATCACGAGGTCAGGAGATCGAGACCATCCTNNNNNNNNNNAAAAAAAAAAAAGAGGCGAATGTC (p.His819fs)

Gene: NF1 (neurofibromin 1; plus strand). Cytogenetic location: 17q11.2.
Variant type: Insertion.
Coding change: c.2453_2454insGCCGGGCGCGGTGGCTCACGCCTGTAATCCCAGCACTTTGGGAGGCCGAGGCGGGTGGATCACGAGGTCAGGAGATCGAGACCATCCTNNNNNNNNNNAAAAAAAAAAAAGAGGCGAATGTC on transcript NM_001042492.3 (MANE Select); coding-DNA positions 2453 to 2454, GCCGGGCGCGGTGGCTCACGCCTGTAATCCCAGCACTTTGGGAGGCCGAGGCGGGTGGATCACGAGGTCAGGAGATCGAGACCATCCTNNNNNNNNNNAAAAAAAAAAAAGAGGCGAATGTC inserted.
Protein change: p.His819fs; shifts the reading frame from histidine 819.
Molecular consequence: frameshift variant.
Genome position: GRCh38: chr17:31,229,068-31,229,069. GRCh37 (hg19): chr17:29,556,086-29,556,087.
Other names: c.2453_2454insGCCGGGCGCGGTGGCTCACGCCTGTAATCCCAGCACTTTGGGAGGCCGAGGCGGGTGGATCACGAGGTCAGGAGATCGAGACCATCCTNNNNNNNNNNAAAAAAAAAAAAGAGGCGAATGTC, p.His819Profs (NM_000267.4); short protein forms H819fs.
Identifiers: ClinVar variation 1073122 (VCV001073122.5), dbSNP rs2151428861.